The following is an entry in ClinVar:

NM_021098.3(CACNA1H):c.140G>C (p.Gly47Ala)

Gene: CACNA1H (calcium voltage-gated channel subunit alpha1 H; plus strand). Cytogenetic location: 16p13.3.
Variant type: single nucleotide variant.
Coding change: c.140G>C on transcript NM_021098.3 (MANE Select); coding-DNA position 140, G replaced by C.
Protein change: p.Gly47Ala; replaces glycine 47 with alanine.
Molecular consequence: missense variant.
Genome position (GRCh38, 1-based): chr16:1,153,877, G>C. VCF-style: chr16-1153877-G-C. GRCh37 (hg19) VCF-style: chr16-1203877-G-C.
Other names: c.140G>C, p.Gly47Ala (NM_001005407.2); short protein forms G47A.
Identifiers: ClinVar variation 529599 (VCV000529599.9), dbSNP rs1555498163, ClinGen allele CA394145646.

ClinVar aggregate classification (germline): Uncertain significance (1 of 4 stars; one submission).

Conditions:
Hyperaldosteronism, familial, type IV (HALD4). Also called: FH IV; ALDOSTERONISM, PRIMARY, AND HYPERTENSION. Identifiers: Orphanet 642671, MedGen C4310756, MONDO:0014875, OMIM 617027.
Idiopathic generalized epilepsy. Also called: Generalised epilepsy; EIG. Identifiers: MedGen C0270850, MONDO:0005579, OMIM 600669.

Allele frequency attached by ClinVar (database versions not stated): gnomAD 0.00001 and 0.00002; TOPMed 0.00001; 1000 Genomes Project 30x 0.00031.
gnomAD v4.1: 7 of 1,417,542 alleles (0.00049%); highest among the groups gnomAD compares: East Asian, 0.0031%; no homozygotes.

Submission:

Labcorp Genetics (formerly Invitae), Labcorp
Classification: Uncertain significance for Idiopathic generalized epilepsy; Hyperaldosteronism, familial, type IV. Last evaluated: 2025-01-11. Review status: criteria provided, single submitter. Criteria: Invitae Variant Classification Sherloc (09022015). Collection method: clinical testing. Allele origin: germline.
Comment: This sequence change replaces glycine, which is neutral and non-polar, with alanine, which is neutral and non-polar, at codon 47 of the CACNA1H protein (p.Gly47Ala). This variant is not present in population databases (gnomAD no frequency). This variant has not been reported in the literature in individuals affected with CACNA1H-related conditions. ClinVar contains an entry for this variant (Variation ID: 529599). Invitae Evidence Modeling of protein sequence and biophysical properties (such as structural, functional, and spatial information, amino acid conservation, physicochemical variation, residue mobility, and thermodynamic stability) indicates that this missense variant is not expected to disrupt CACNA1H protein function with a negative predictive value of 95%. In summary, the available evidence is currently insufficient to determine the role of this variant in disease. Therefore, it has been classified as a Variant of Uncertain Significance.